The following is an entry in ClinVar:

ClinVar aggregate classification (germline): Uncertain significance (1 of 4 stars; one submission).

Conditions:
Catecholaminergic polymorphic ventricular tachycardia 1. Also called: VENTRICULAR TACHYCARDIA, CATECHOLAMINERGIC POLYMORPHIC, 1, WITH OR WITHOUT ATRIAL DYSFUNCTION AND/OR DILATED CARDIOMYOPATHY; RYR2-Related Catecholaminergic Polymorphic Ventricular Tachycardia; VENTRICULAR TACHYCARDIA, STRESS-INDUCED POLYMORPHIC 1. Identifiers: Orphanet 3286, MedGen C1631597, MONDO:0011484, OMIM 604772.

Allele frequency attached by ClinVar (database versions not stated): gnomAD 0.00001; TOPMed 0.00001.
gnomAD v4.1: 1 of 1,610,648 alleles (0.000062%); highest among the groups gnomAD compares: African/African-American, 0.0013%; no homozygotes.

Submission:

Labcorp Genetics (formerly Invitae), Labcorp
Classification: Uncertain significance for Catecholaminergic polymorphic ventricular tachycardia 1. Last evaluated: 2022-05-27. Review status: criteria provided, single submitter. Criteria: Invitae Variant Classification Sherloc (09022015). Collection method: clinical testing. Allele origin: germline.
Comment: In summary, the available evidence is currently insufficient to determine the role of this variant in disease. Therefore, it has been classified as a Variant of Uncertain Significance. Algorithms developed to predict the effect of missense changes on protein structure and function are either unavailable or do not agree on the potential impact of this missense change (SIFT: "Tolerated"; PolyPhen-2: "Probably Damaging"; Align-GVGD: "Class C0"). This variant has not been reported in the literature in individuals affected with CASQ2-related conditions. This variant is not present in population databases (gnomAD no frequency). This sequence change replaces serine, which is neutral and polar, with glycine, which is neutral and non-polar, at codon 341 of the CASQ2 protein (p.Ser341Gly).

NM_001232.4(CASQ2):c.1021A>G (p.Ser341Gly)

Gene: CASQ2 (calsequestrin 2; minus strand). Cytogenetic location: 1p13.1.
Variant type: single nucleotide variant.
Coding change: c.1021A>G on transcript NM_001232.4 (MANE Select); coding-DNA position 1021, A replaced by G.
Protein change: p.Ser341Gly; replaces serine 341 with glycine.
Molecular consequence: missense variant.
Genome position (GRCh38, 1-based): chr1:115,701,420, T>C on the plus strand (A>G on the coding strand, the complement: CASQ2 is on the minus strand). VCF-style: chr1-115701420-T-C. GRCh37 (hg19) VCF-style: chr1-116244041-T-C.
Other names: short protein forms S341G.
Identifiers: ClinVar variation 1993790 (VCV001993790.4), dbSNP rs894946581, ClinGen allele CA29606159.